The following is an entry in ClinVar:

NM_000051.4(ATM):c.1692T>A (p.Cys564Ter)

Gene: ATM (ATM serine/threonine kinase; plus strand). Cytogenetic location: 11q22.3.
Variant type: single nucleotide variant.
Coding change: c.1692T>A on transcript NM_000051.4 (MANE Select); coding-DNA position 1692, T replaced by A.
Protein change: p.Cys564Ter; replaces cysteine 564 with a stop codon.
Molecular consequence: nonsense.
Genome position (GRCh38, 1-based): chr11:108,251,921, T>A. VCF-style: chr11-108251921-T-A. GRCh37 (hg19) VCF-style: chr11-108122648-T-A.
Other names: c.1692T>A, p.Cys564Ter (NM_001351834.2); short protein forms C564*.
Identifiers: ClinVar variation 265583 (VCV000265583.12), dbSNP rs886039644, ClinGen allele CA10588490.

ClinVar aggregate classification (germline): Pathogenic/Likely pathogenic. Review status: criteria provided, multiple submitters, no conflicts (2 of 4 stars). 5 submissions from 5 submitters: Pathogenic (4); Likely pathogenic (1). Last evaluated 2026-01-18.

Conditions:
Familial cancer of breast. Also called: Hereditary breast cancer; BREAST CANCER, FAMILIAL; hereditary breast carcinoma. Identifiers: Orphanet 227535, MedGen C0346153, MONDO:0016419, OMIM 114480. Disease mechanism: loss of function.
Ataxia-telangiectasia syndrome (AT). Also called: LOUIS-BAR SYNDROME; ATAXIA-TELANGIECTASIA, COMPLEMENTATION GROUP A; ATAXIA-TELANGIECTASIA, FRESNO VARIANT; Ataxia-telangiectasia; Cerebello-oculocutaneous telangiectasia; Immunodeficiency with ataxia telangiectasia. Identifiers: Orphanet 100, MedGen C0004135, MONDO:0008840, OMIM 208900.
Hereditary cancer-predisposing syndrome. Also called: Tumor predisposition; Neoplastic Syndromes, Hereditary; Hereditary neoplastic syndrome; Hereditary Cancer Syndrome. Identifiers: Orphanet 140162, MedGen C0027672, MeSH D009386, MONDO:0015356.

Submissions (5):

Labcorp Genetics (formerly Invitae), Labcorp
Classification: Pathogenic for Ataxia-telangiectasia syndrome. Last evaluated: 2026-01-18. Review status: criteria provided, single submitter. Criteria: Invitae Variant Classification Sherloc (09022015). Collection method: clinical testing. Allele origin: germline.
Comment: This sequence change creates a premature translational stop signal (p.Cys564*) in the ATM gene. It is expected to result in an absent or disrupted protein product. Loss-of-function variants in ATM are known to be pathogenic (PMID: 23807571, 25614872). This variant is not present in population databases (gnomAD no frequency). This variant has not been reported in the literature in individuals affected with ATM-related conditions. ClinVar contains an entry for this variant (Variation ID: 265583). For these reasons, this variant has been classified as Pathogenic.

Baylor Genetics
Classification: Likely pathogenic for Familial cancer of breast. Last evaluated: 2024-01-29. Review status: criteria provided, single submitter. Criteria: ACMG Guidelines, 2015. Collection method: clinical testing. Allele origin: unknown.

Myriad Genetics, Inc.
Classification: Pathogenic for Familial cancer of breast. Last evaluated: 2024-01-16. Review status: criteria provided, single submitter. Criteria: Myriad Autosomal Dominant, Autosomal Recessive and X-Linked Classification Criteria (2023). Collection method: clinical testing. Allele origin: unknown.
Comment: This variant is considered pathogenic. This variant creates a termination codon and is predicted to result in premature protein truncation.

GeneDx
Classification: Pathogenic. Last evaluated: 2023-10-25. Review status: criteria provided, single submitter. Criteria: GeneDx Variant Classification Process June 2021. Collection method: clinical testing. Allele origin: germline. Affected: yes.
Comment: Nonsense variant predicted to result in protein truncation or nonsense mediated decay in a gene for which loss of function is a known mechanism of disease; Not observed at significant frequency in large population cohorts (gnomAD); Truncating variants in this gene are considered pathogenic by a well-established clinical consortium and/or database; Has not been previously published as pathogenic or benign to our knowledge

Ambry Genetics
Classification: Pathogenic for Hereditary cancer-predisposing syndrome. Last evaluated: 2023-05-17. Review status: criteria provided, single submitter. Criteria: Ambry Variant Classification Scheme 2023. Collection method: clinical testing. Allele origin: germline.
Comment: The p.C564* variant (also known as c.1692T>A), located in coding exon 10 of the ATM gene, results from a T to A substitution at nucleotide position 1692. This changes the amino acid from a cysteine to a stop codon within coding exon 10. This variant is considered to be rare based on population cohorts in the Genome Aggregation Database (gnomAD). This alteration is expected to result in loss of function by premature protein truncation or nonsense-mediated mRNA decay. As such, this alteration is interpreted as a disease-causing mutation.

Literature cited by the submitters: PubMed 23807571 (cited by Labcorp Genetics (formerly Invitae), Labcorp); PubMed 25614872 (cited by Labcorp Genetics (formerly Invitae), Labcorp).